The following is an entry in ClinVar:

ClinVar aggregate classification (germline): Uncertain significance. Review status: criteria provided, multiple submitters, no conflicts (2 of 4 stars). 2 submissions from 2 submitters: Uncertain significance (2). Last evaluated 2023-07-17.

Conditions:
Spastic paraplegia. Identifiers: MedGen C0037772, HP:0001258.
Hereditary spastic paraplegia. Also called: Familial spastic paraparesis. Identifiers: Orphanet 685, MedGen C0037773, MONDO:0019064. Disease mechanism: loss of function.

Allele frequency attached by ClinVar (database versions not stated): gnomAD exomes below 0.00001 and 0.00001.
gnomAD v4.1: 7 of 1,614,040 alleles (0.00043%); highest among the groups gnomAD compares: Non-Finnish European, 0.00059%; no homozygotes.

Submissions (2):

Labcorp Genetics (formerly Invitae), Labcorp
Classification: Uncertain significance for Spastic paraplegia. Last evaluated: 2023-07-17. Review status: criteria provided, single submitter. Criteria: Invitae Variant Classification Sherloc (09022015). Collection method: clinical testing. Allele origin: germline.
Comment: In summary, the available evidence is currently insufficient to determine the role of this variant in disease. Therefore, it has been classified as a Variant of Uncertain Significance. Advanced modeling of protein sequence and biophysical properties (such as structural, functional, and spatial information, amino acid conservation, physicochemical variation, residue mobility, and thermodynamic stability) performed at Invitae indicates that this missense variant is not expected to disrupt SACS protein function. ClinVar contains an entry for this variant (Variation ID: 1343993). This variant has not been reported in the literature in individuals affected with SACS-related conditions. This variant is present in population databases (no rsID available, gnomAD 0.0009%). This sequence change replaces threonine, which is neutral and polar, with methionine, which is neutral and non-polar, at codon 1817 of the SACS protein (p.Thr1817Met).

Genome Diagnostics Laboratory, The Hospital for Sick Children
Classification: Uncertain significance for Hereditary spastic paraplegia. Last evaluated: 2017-12-01. Review status: criteria provided, single submitter. Criteria: ACMG Guidelines, 2015. Collection method: clinical testing. Allele origin: germline. Affected: yes.

NM_014363.6(SACS):c.5450C>T (p.Thr1817Met)

Gene: SACS (sacsin molecular chaperone; minus strand). Cytogenetic location: 13q12.12.
Variant type: single nucleotide variant.
Coding change: c.5450C>T on transcript NM_014363.6 (MANE Select); coding-DNA position 5450, C replaced by T.
Protein change: p.Thr1817Met; replaces threonine 1817 with methionine.
Molecular consequence: missense variant.
Genome position (GRCh38, 1-based): chr13:23,338,426, G>A on the plus strand (C>T on the coding strand, the complement: SACS is on the minus strand). VCF-style: chr13-23338426-G-A. GRCh37 (hg19) VCF-style: chr13-23912565-G-A.
Other names: c.5009C>T, p.Thr1670Met (NM_001278055.2); short protein forms T1670M, T1817M.
Identifiers: ClinVar variation 1343993 (VCV001343993.6), dbSNP rs898102157, ClinGen allele CA246659130.
Genomic context (GRCh38, chr13:23,338,426, plus strand): 5'-CTCTCACTCAGGGAAAACTTCAGAGCCTCTCCTGTGTCCATGCAAGTACACAGAAGCCAC[G>A]TGGTACACTCTACTGTTTTCTGTGACAACTCATCTGATGGCTTTTTTGATTGGCCAGACT-3'
Protein context (NP_055178.3, residues 1807-1827): ELSQKTVECT[Thr1817Met]WLLCTCMDTG